The following is an entry in ClinVar:

ClinVar aggregate classification (germline): Uncertain significance. Review status: criteria provided, multiple submitters, no conflicts (2 of 4 stars). 3 submissions from 3 submitters: Uncertain significance (3). Last evaluated 2025-09-03.

Conditions:
Noonan syndrome 8 (NS8). Identifiers: Orphanet 648, MedGen C3809233, MONDO:0014143, OMIM 615355.

Allele frequency attached by ClinVar (database versions not stated): gnomAD 0.00001.
gnomAD v4.1: 3 of 1,610,188 alleles (0.00019%); highest among the groups gnomAD compares: African/African-American, 0.0027%; no homozygotes.

Submissions (3):

Labcorp Genetics (formerly Invitae), Labcorp
Classification: Uncertain significance for Noonan syndrome 8. Last evaluated: 2025-09-03. Review status: criteria provided, single submitter. Criteria: Invitae Variant Classification Sherloc (09022015). Collection method: clinical testing. Allele origin: germline.
Comment: This sequence change falls in intron 3 of the RIT1 gene. It does not directly change the encoded amino acid sequence of the RIT1 protein. It affects a nucleotide within the consensus splice site. This variant is present in population databases (no rsID available, gnomAD 0.02%). This variant has not been reported in the literature in individuals affected with RIT1-related conditions. ClinVar contains an entry for this variant (Variation ID: 1213687). Variants that disrupt the consensus splice site are a relatively common cause of aberrant splicing (PMID: 17576681, 9536098). Algorithms developed to predict the effect of sequence changes on RNA splicing suggest that this variant is not likely to affect RNA splicing. In summary, the available evidence is currently insufficient to determine the role of this variant in disease. Therefore, it has been classified as a Variant of Uncertain Significance.

Genome-Nilou Lab
Classification: Uncertain significance for Noonan syndrome 8. Last evaluated: 2023-04-11. Review status: criteria provided, single submitter. Criteria: ACMG Guidelines, 2015. Collection method: clinical testing. Allele origin: germline. Affected: no.

New York Genome Center
Classification: Uncertain significance for Noonan syndrome 8. Last evaluated: 2020-09-23. Review status: criteria provided, single submitter. Criteria: NYGC Assertion Criteria 2020. Collection method: clinical testing. Allele origin: inherited. Observed: 1 heterozygote. Study: CSER-NYCKidSeq.

Literature cited by the submitters: PubMed 17576681 (cited by Labcorp Genetics (formerly Invitae), Labcorp); PubMed 9536098 (cited by Labcorp Genetics (formerly Invitae), Labcorp).

NM_006912.6(RIT1):c.163+6C>A

Gene: RIT1 (Ras like without CAAX 1; minus strand). Cytogenetic location: 1q22.
Variant type: single nucleotide variant.
Coding change: c.163+6C>A on transcript NM_006912.6 (MANE Select); 6 bases into the intron after coding-DNA position 163, C replaced by A.
Molecular consequence: intron variant.
Genome position (GRCh38, 1-based): chr1:155,910,444, G>T on the plus strand (C>A on the coding strand, the complement: RIT1 is on the minus strand). VCF-style: chr1-155910444-G-T. GRCh37 (hg19) VCF-style: chr1-155880235-G-T.
Other names: c.55+6C>A (NM_001256820.2); c.214+6C>A (NM_001256821.2).
Identifiers: ClinVar variation 1213687 (VCV001213687.7), dbSNP rs1157450415, ClinGen allele CA526456138.
Genomic context (GRCh38, chr1:155,910,444, plus strand): 5'-CTACTGATATTCATTAAGATATTTTTATGGGGTATATTTGGAAACATAAGTGATGATCTG[G>T]CTTACCAATGGTGGGATCATGATCTTCTGGGAATCGGTGGCTGATGAACTGCATGGTCAT-3'